The following is an entry in ClinVar:

NM_001020658.2(PUM1):c.1409C>T (p.Pro470Leu)

Gene: PUM1 (pumilio RNA binding family member 1; minus strand). Cytogenetic location: 1p35.2.
Variant type: single nucleotide variant.
Coding change: c.1409C>T on transcript NM_001020658.2 (MANE Select); coding-DNA position 1409, C replaced by T.
Protein change: p.Pro470Leu; replaces proline 470 with leucine.
Molecular consequence: missense variant.
Genome position (GRCh38, 1-based): chr1:30,974,748, G>A on the plus strand (C>T on the coding strand, the complement: PUM1 is on the minus strand). VCF-style: chr1-30974748-G-A. GRCh37 (hg19) VCF-style: chr1-31447595-G-A.
Other names: c.1409C>T, p.Pro470Leu (NM_014676.3); short protein forms P470L.
Identifiers: ClinVar variation 1304296 (VCV001304296.2), dbSNP rs2124458806, ClinGen allele CA339567428.

ClinVar aggregate classification (germline): Uncertain significance (1 of 4 stars; one submission).

Submission:

GeneDx
Classification: Uncertain significance. Last evaluated: 2020-05-27. Review status: criteria provided, single submitter. Criteria: GeneDx Variant Classification Process June 2021. Collection method: clinical testing. Allele origin: germline. Affected: yes.
Comment: Not observed in large population cohorts (Lek et al., 2016); In silico analysis supports that this missense variant has a deleterious effect on protein structure/function; Has not been previously published as pathogenic or benign to our knowledge